The following is an entry in ClinVar:

NM_001145809.2(MYH14):c.4363G>A (p.Ala1455Thr)

Gene: MYH14 (myosin heavy chain 14; plus strand). Cytogenetic location: 19q13.33.
Variant type: single nucleotide variant.
Coding change: c.4363G>A on transcript NM_001145809.2 (MANE Select); coding-DNA position 4363, G replaced by A.
Protein change: p.Ala1455Thr; replaces alanine 1455 with threonine.
Molecular consequence: missense variant.
Genome position (GRCh38, 1-based): chr19:50,281,666, G>A. VCF-style: chr19-50281666-G-A. GRCh37 (hg19) VCF-style: chr19-50784923-G-A.
Other names: c.4240G>A (NM_024729.3); c.4264G>A, p.Ala1422Thr (NM_001077186.2); c.4240G>A, p.Ala1414Thr (NM_024729.4); short protein forms A1455T, A1422T, A1414T.
Identifiers: ClinVar variation 4699901 (VCV004699901.2).

ClinVar aggregate classification (germline): Uncertain significance. Review status: criteria provided, multiple submitters, no conflicts (2 of 4 stars). 2 submissions from 2 submitters: Uncertain significance (2). Last evaluated 2026-04-23.

gnomAD v4.1: 16 of 1,609,368 alleles (0.00099%); highest among the groups gnomAD compares: African/African-American, 0.016%; no homozygotes.

Submissions (2):

GeneDx
Classification: Uncertain significance. Last evaluated: 2026-04-23. Review status: criteria provided, single submitter. Criteria: GeneDx Variant Classification Process June 2021. Collection method: clinical testing. Allele origin: germline.
Comment: In silico analysis suggests that this missense variant does not alter protein structure/function; Has not been previously published as pathogenic or benign to our knowledge

Labcorp Genetics (formerly Invitae), Labcorp
Classification: Uncertain significance. Last evaluated: 2025-10-26. Review status: criteria provided, single submitter. Criteria: Invitae Variant Classification Sherloc (09022015). Collection method: clinical testing. Allele origin: germline.
Comment: This sequence change replaces alanine, which is neutral and non-polar, with threonine, which is neutral and polar, at codon 1414 of the MYH14 protein (p.Ala1414Thr). This variant is present in population databases (rs778366633, gnomAD 0.03%). This variant has not been reported in the literature in individuals affected with MYH14-related conditions. Invitae Evidence Modeling of protein sequence and biophysical properties (such as structural, functional, and spatial information, amino acid conservation, physicochemical variation, residue mobility, and thermodynamic stability) indicates that this missense variant is not expected to disrupt MYH14 protein function with a negative predictive value of 80%. In summary, the available evidence is currently insufficient to determine the role of this variant in disease. Therefore, it has been classified as a Variant of Uncertain Significance.